The following is an entry in ClinVar:

ClinVar aggregate classification (germline): Uncertain significance (1 of 4 stars; one submission).

Conditions:
Stormorken syndrome (STRMK). Also called: THROMBOCYTOPATHY, ASPLENIA, AND MIOSIS. Identifiers: Orphanet 3204, MedGen C1861451, MONDO:0008497, OMIM 185070.
Combined immunodeficiency due to STIM1 deficiency. Also called: STIM1 DEFICIENCY; IMMUNODEFICIENCY 10. Identifiers: Orphanet 169090, Orphanet 317430, MedGen C2748557, MONDO:0013008, OMIM 612783.
Myopathy with tubular aggregates (TAM). Also called: Tubular Aggregate Myopathy. Identifiers: Orphanet 2593, MedGen C0410207, MONDO:0008051.

Allele frequency attached by ClinVar (database versions not stated): TOPMed 0.00004; gnomAD exomes 0.00001; gnomAD 0.00002.
gnomAD v4.1: 7 of 1,614,068 alleles (0.00043%); highest among the groups gnomAD compares: Admixed American, 0.01%; no homozygotes.

Submission:

Labcorp Genetics (formerly Invitae), Labcorp
Classification: Uncertain significance for Myopathy with tubular aggregates; Combined immunodeficiency due to STIM1 deficiency; Stormorken syndrome. Last evaluated: 2025-12-21. Review status: criteria provided, single submitter. Criteria: Invitae Variant Classification Sherloc (09022015). Collection method: clinical testing. Allele origin: germline.
Comment: This sequence change replaces glutamic acid, which is acidic and polar, with aspartic acid, which is acidic and polar, at codon 90 of the STIM1 protein (p.Glu90Asp). This variant also falls at the last nucleotide of exon 2, which is part of the consensus splice site for this exon. This variant is present in population databases (no rsID available, gnomAD 0.003%). This variant has not been reported in the literature in individuals affected with STIM1-related conditions. ClinVar contains an entry for this variant (Variation ID: 2927489). Invitae Evidence Modeling of protein sequence and biophysical properties (such as structural, functional, and spatial information, amino acid conservation, physicochemical variation, residue mobility, and thermodynamic stability) has been performed for this missense variant. However, the output from this modeling did not meet the statistical confidence thresholds required to predict the impact of this variant on STIM1 protein function. Variants that disrupt the consensus splice site are a relatively common cause of aberrant splicing (PMID: 17576681, 9536098). In summary, the available evidence is currently insufficient to determine the role of this variant in disease. Therefore, it has been classified as a Variant of Uncertain Significance.

Literature cited by the submitters: PubMed 17576681; PubMed 9536098.

NM_001382567.1(STIM1):c.270G>C (p.Glu90Asp)

Gene: STIM1 (stromal interaction molecule 1; plus strand). Cytogenetic location: 11p15.4.
Variant type: single nucleotide variant.
Coding change: c.270G>C on transcript NM_001382567.1 (MANE Select); coding-DNA position 270, G replaced by C.
Protein change: p.Glu90Asp; replaces glutamic acid 90 with aspartic acid.
Molecular consequence: missense variant. On other transcripts: non-coding transcript variant (3), intron variant (4).
Genome position (GRCh38, 1-based): chr11:3,967,682, G>C. VCF-style: chr11-3967682-G-C. GRCh37 (hg19) VCF-style: chr11-3988912-G-C.
Other names: c.270G>C, p.Glu90Asp (NM_001277961.3, NM_001277962.2, NM_001382568.1 and 3 more transcripts); c.48G>C, p.Glu16Asp (NM_001382566.1, NM_001382573.1, NM_001382574.1 and 5 more transcripts); c.-219-56191G>C (NM_001382580.1, NM_001382581.1); c.136-56191G>C (NM_001382569.1); c.-98-56191G>C (NM_001382571.1); short protein forms E90D, E16D.
Identifiers: ClinVar variation 2927489 (VCV002927489.3), dbSNP rs954648171, ClinGen allele CA216283124.